The following is an entry in ClinVar:

NM_000059.4(BRCA2):c.7097del (p.Leu2366fs)

Gene: BRCA2 (BRCA2 DNA repair associated; plus strand). Cytogenetic location: 13q13.1.
Variant type: Deletion.
Coding change: c.7097del on transcript NM_000059.4 (MANE Select); coding-DNA position 7097, one base deleted (T; older notation c.7097delT).
Protein change: p.Leu2366fs; shifts the reading frame from leucine 2366.
Molecular consequence: frameshift variant.
Genome position (GRCh38, 1-based): chr13:32,354,950, T deleted. VCF-style (leftmost placement, unchanged base first): chr13-32354949-CT-C. GRCh37 (hg19) VCF-style: chr13-32929086-CT-C.
Other names: c.7001delT, p.Leu2334Argfs (NM_001406719.1); c.7097delT, p.Leu2366Argfs (NM_001406720.1); c.2165delT, p.Leu722Argfs (NM_001406721.1); c.680delT, p.Leu227Argfs (NM_001406722.1); short protein forms L2366fs.
Identifiers: ClinVar variation 1757122 (VCV001757122.2), dbSNP rs2548540099, ClinGen allele CA2580087391.

ClinVar aggregate classification (germline): Pathogenic (1 of 4 stars; one submission).

Conditions:
Hereditary cancer-predisposing syndrome. Also called: Neoplastic Syndromes, Hereditary; Tumor predisposition; Hereditary Cancer Syndrome; Hereditary neoplastic syndrome. Identifiers: Orphanet 140162, MedGen C0027672, MeSH D009386, MONDO:0015356.

Submission:

Ambry Genetics
Classification: Pathogenic for Hereditary cancer-predisposing syndrome. Last evaluated: 2021-06-23. Review status: criteria provided, single submitter. Criteria: Ambry Variant Classification Scheme 2023. Collection method: clinical testing. Allele origin: germline.
Comment: The c.7097delT pathogenic mutation, located in coding exon 13 of the BRCA2 gene, results from a deletion of one nucleotide at nucleotide position 7097, causing a translational frameshift with a predicted alternate stop codon (p.L2366Rfs*10). This alteration is expected to result in loss of function by premature protein truncation or nonsense-mediated mRNA decay. As such, this alteration is interpreted as a disease-causing mutation.